The following is an entry in ClinVar:

NM_001105206.3(LAMA4):c.4804G>A (p.Ala1602Thr)

Gene: LAMA4 (laminin subunit alpha 4; minus strand). Cytogenetic location: 6q21.
Variant type: single nucleotide variant.
Coding change: c.4804G>A on transcript NM_001105206.3 (MANE Select); coding-DNA position 4804, G replaced by A.
Protein change: p.Ala1602Thr; replaces alanine 1602 with threonine.
Molecular consequence: missense variant.
Genome position (GRCh38, 1-based): chr6:112,119,173, C>T on the plus strand (G>A on the coding strand, the complement: LAMA4 is on the minus strand). VCF-style: chr6-112119173-C-T. GRCh37 (hg19) VCF-style: chr6-112440376-C-T.
Other names: c.4783G>A, p.Ala1595Thr (NM_001105207.3, NM_002290.5); short protein forms A1595T, A1602T.
Identifiers: ClinVar variation 1050872 (VCV001050872.9), dbSNP rs2114582981, ClinGen allele CA365367542.

ClinVar aggregate classification (germline): Uncertain significance (1 of 4 stars; one submission).

Conditions:
Dilated cardiomyopathy 1JJ (CMD1JJ). Identifiers: Orphanet 154, MedGen C3808935, MONDO:0014095, OMIM 615235.

Submission:

Labcorp Genetics (formerly Invitae), Labcorp
Classification: Uncertain significance for Dilated cardiomyopathy 1JJ. Last evaluated: 2025-12-15. Review status: criteria provided, single submitter. Criteria: Invitae Variant Classification Sherloc (09022015). Collection method: clinical testing. Allele origin: germline.
Comment: This sequence change replaces alanine, which is neutral and non-polar, with threonine, which is neutral and polar, at codon 1595 of the LAMA4 protein (p.Ala1595Thr). This variant is not present in population databases (gnomAD no frequency). This variant has not been reported in the literature in individuals affected with LAMA4-related conditions. ClinVar contains an entry for this variant (Variation ID: 1050872). Invitae Evidence Modeling of protein sequence and biophysical properties (such as structural, functional, and spatial information, amino acid conservation, physicochemical variation, residue mobility, and thermodynamic stability) indicates that this missense variant is not expected to disrupt LAMA4 protein function with a negative predictive value of 80%. In summary, the available evidence is currently insufficient to determine the role of this variant in disease. Therefore, it has been classified as a Variant of Uncertain Significance.